The following is an entry in ClinVar:

ClinVar aggregate classification (germline): Pathogenic (1 of 4 stars; one submission).

Conditions:
DICER1-related tumor predisposition. Also called: DICER1 syndrome; DICER1-related pleuropulmonary blastoma cancer predisposition syndrome. Identifiers: Orphanet 284343, MedGen C3839822, MONDO:0100216.

Submission:

Labcorp Genetics (formerly Invitae), Labcorp
Classification: Pathogenic for DICER1-related tumor predisposition. Last evaluated: 2025-09-03. Review status: criteria provided, single submitter. Criteria: Invitae Variant Classification Sherloc (09022015). Collection method: clinical testing. Allele origin: germline.
Comment: This sequence change creates a premature translational stop signal (p.Tyr1417*) in the DICER1 gene. It is expected to result in an absent or disrupted protein product. Loss-of-function variants in DICER1 are known to be pathogenic (PMID: 19556464, 21266384). This variant is not present in population databases (gnomAD no frequency). This variant has not been reported in the literature in individuals affected with DICER1-related conditions. ClinVar contains an entry for this variant (Variation ID: 1458495). For these reasons, this variant has been classified as Pathogenic.

Literature cited by the submitters: PubMed 19556464; PubMed 21266384.

NM_177438.3(DICER1):c.4251C>G (p.Tyr1417Ter)

Gene: DICER1 (dicer 1, ribonuclease III; minus strand). Cytogenetic location: 14q32.13.
Variant type: single nucleotide variant.
Coding change: c.4251C>G on transcript NM_177438.3 (MANE Select); coding-DNA position 4251, C replaced by G.
Protein change: p.Tyr1417Ter; replaces tyrosine 1417 with a stop codon.
Molecular consequence: nonsense.
Genome position (GRCh38, 1-based): chr14:95,096,669, G>C on the plus strand (C>G on the coding strand, the complement: DICER1 is on the minus strand). VCF-style: chr14-95096669-G-C. GRCh37 (hg19) VCF-style: chr14-95563006-G-C.
Other names: c.4251C>G, p.Tyr1417Ter (NM_001195573.1, NM_001271282.3, NM_001291628.2 and 1 more transcripts); short protein forms Y1417*.
Identifiers: ClinVar variation 1458495 (VCV001458495.7), dbSNP rs763063055, ClinGen allele CA390869704.